The following is an entry in ClinVar:

ClinVar aggregate classification (germline): Uncertain significance (1 of 4 stars; one submission).

Allele frequency attached by ClinVar (database versions not stated): gnomAD 0.00001; TOPMed 0.00001; ExAC 0.00005.
gnomAD v4.1: 19 of 1,613,788 alleles (0.0012%); highest among the groups gnomAD compares: South Asian, 0.018%; no homozygotes.

Submission:

Labcorp Genetics (formerly Invitae), Labcorp
Classification: Uncertain significance. Last evaluated: 2024-02-17. Review status: criteria provided, single submitter. Criteria: Invitae Variant Classification Sherloc (09022015). Collection method: clinical testing. Allele origin: germline.
Comment: This sequence change falls in intron 20 of the DCHS1 gene. It does not directly change the encoded amino acid sequence of the DCHS1 protein. It affects a nucleotide within the consensus splice site. This variant is present in population databases (rs773321588, gnomAD 0.02%). This variant has not been reported in the literature in individuals affected with DCHS1-related conditions. ClinVar contains an entry for this variant (Variation ID: 1490813). Variants that disrupt the consensus splice site are a relatively common cause of aberrant splicing (PMID: 17576681, 9536098). Algorithms developed to predict the effect of sequence changes on RNA splicing suggest that this variant is not likely to affect RNA splicing. In summary, the available evidence is currently insufficient to determine the role of this variant in disease. Therefore, it has been classified as a Variant of Uncertain Significance.

Literature cited by the submitters: PubMed 17576681; PubMed 9536098.

NM_003737.4(DCHS1):c.7285+3G>A

Gene: DCHS1 (dachsous cadherin-related 1; minus strand). Cytogenetic location: 11p15.4.
Variant type: single nucleotide variant.
Coding change: c.7285+3G>A on transcript NM_003737.4 (MANE Select); 3 bases into the intron after coding-DNA position 7285, G replaced by A.
Molecular consequence: intron variant.
Genome position (GRCh38, 1-based): chr11:6,624,727, C>T on the plus strand (G>A on the coding strand, the complement: DCHS1 is on the minus strand). VCF-style: chr11-6624727-C-T. GRCh37 (hg19) VCF-style: chr11-6645958-C-T.
Identifiers: ClinVar variation 1490813 (VCV001490813.6), dbSNP rs773321588, ClinGen allele CA5859641.